The following is an entry in ClinVar:

ClinVar aggregate classification (germline): Conflicting classifications of pathogenicity. Review status: criteria provided, conflicting classifications (1 of 4 stars). 5 submissions from 5 submitters: Uncertain significance (3); Likely benign (2). Last evaluated 2025-09-10.

Conditions:
Hereditary cancer-predisposing syndrome. Also called: Tumor predisposition; Hereditary Cancer Syndrome; Neoplastic Syndromes, Hereditary; Hereditary neoplastic syndrome. Identifiers: Orphanet 140162, MedGen C0027672, MeSH D009386, MONDO:0015356.
Hereditary breast ovarian cancer syndrome. Also called: Hereditary breast and/or ovarian cancer syndrome; BRCA1- and BRCA2-Associated Hereditary Breast and Ovarian Cancer; Hereditary breast and ovarian cancer; Hereditary breast and ovarian cancer syndrome (HBOC); Breast and ovarian cancer; Hereditary breast and ovarian cancer syndrome. Identifiers: Orphanet 145, MedGen C0677776, MeSH D061325, MONDO:0003582. Disease mechanism: loss of function.
Fanconi anemia complementation group D1. Also called: BRCA2-Related Fanconi Anemia. Identifiers: Orphanet 319462, MedGen C1838457, MONDO:0011584, OMIM 605724.
Breast-ovarian cancer, familial, susceptibility to, 2 (BROVCA2). Also called: BRCA2 Hereditary Breast and Ovarian Cancer. Identifiers: Orphanet 145, MedGen C2675520, MONDO:0012933, OMIM 612555. Disease mechanism: loss of function.

Allele frequency attached by ClinVar (database versions not stated): TOPMed below 0.00001; gnomAD exomes below 0.00001.

Submissions (5):

Ambry Genetics
Classification: Uncertain significance for Hereditary cancer-predisposing syndrome. Last evaluated: 2025-09-10. Review status: criteria provided, single submitter. Criteria: Ambry Variant Classification Scheme 2023. Collection method: clinical testing. Allele origin: germline.

Labcorp Genetics (formerly Invitae), Labcorp
Classification: Likely benign for Hereditary breast ovarian cancer syndrome. Last evaluated: 2025-09-10. Review status: criteria provided, single submitter. Criteria: Invitae Variant Classification Sherloc (09022015). Collection method: clinical testing. Allele origin: germline.

All of Us Research Program, National Institutes of Health
Classification: Uncertain significance for Breast-ovarian cancer, familial, susceptibility to, 2. Last evaluated: 2023-06-08. Review status: criteria provided, single submitter. Criteria: ACMG Guidelines, 2015. Collection method: clinical testing. Allele origin: germline. Inheritance: Autosomal dominant inheritance. Observed: 1 variant allele, 1 heterozygote.
Comment: This missense variant replaces isoleucine with threonine at codon 1664 of the BRCA2 protein. Computational prediction suggests that this variant may not impact protein structure and function (internally defined REVEL score threshold <= 0.5, PMID: 27666373). To our knowledge, functional studies have not been reported for this variant. This variant has not been reported in individuals affected with BRCA2-related disorders in the literature. This variant has not been identified in the general population by the Genome Aggregation Database (gnomAD). The available evidence is insufficient to determine the role of this variant in disease conclusively. Therefore, this variant is classified as a Variant of Uncertain Significance.

This study involves interpretation of variants in research participants for the purpose of population health screening. Participant phenotype was not available at the time of variant classification. Additional details can be found in publication PMID: 35346344, PMCID: PMC8962531

University of Washington Department of Laboratory Medicine, University of Washington
Classification: Likely benign for Hereditary cancer-predisposing syndrome. Last evaluated: 2023-03-23. Review status: criteria provided, single submitter. Criteria: Dines et al. (Genet Med. 2020). Collection method: curation. Allele origin: germline.
Comment: Missense variant in a coldspot region where missense variants are very unlikely to be pathogenic (PMID:31911673).

BRCA2 exon 11 coldspot. Reclassification based on statistical prior probability.

Baylor Genetics
Classification: Uncertain significance for Fanconi anemia complementation group D1. Last evaluated: 2018-02-05. Review status: criteria provided, single submitter. Criteria: ACMG Guidelines, 2015. Collection method: clinical testing. Allele origin: maternal. Affected: yes.
Comment: This variant was determined to be of uncertain significance according to ACMG Guidelines, 2015 [PMID:25741868].

NM_000059.4(BRCA2):c.4991T>C (p.Ile1664Thr)

Gene: BRCA2 (BRCA2 DNA repair associated; plus strand). Cytogenetic location: 13q13.1.
Variant type: single nucleotide variant.
Coding change: c.4991T>C on transcript NM_000059.4 (MANE Select); coding-DNA position 4991, T replaced by C.
Protein change: p.Ile1664Thr; replaces isoleucine 1664 with threonine.
Molecular consequence: missense variant.
Genome position (GRCh38, 1-based): chr13:32,339,346, T>C. VCF-style: chr13-32339346-T-C. GRCh37 (hg19) VCF-style: chr13-32913483-T-C.
Other names: short protein forms I1664T.
Identifiers: ClinVar variation 216247 (VCV000216247.18), dbSNP rs863224590, ClinGen allele CA338267.